The following is an entry in ClinVar:

NM_138691.3(TMC1):c.15dup (p.Val6fs)

Gene: TMC1 (transmembrane channel like 1; plus strand). Cytogenetic location: 9q21.13.
Variant type: Duplication.
Coding change: c.15dup on transcript NM_138691.3 (MANE Select); coding-DNA position 15, one base duplicated (A; older notation c.15dupA).
Protein change: p.Val6fs; shifts the reading frame from valine 6.
Molecular consequence: frameshift variant.
Genome position (GRCh38, 1-based): chr9:72,648,663, A duplicated; the last of 6 consecutive A bases (chr9:72,648,658-72,648,663); duplicating any one gives the same sequence. VCF-style (leftmost placement, unchanged base first): chr9-72648657-C-CA. GRCh37 (hg19) VCF-style: chr9-75263573-C-CA.
Other names: c.15dupA (NM_138691.2); short protein forms V6fs.
Identifiers: ClinVar variation 236041 (VCV000236041.2), dbSNP rs878853229, ClinGen allele CA5081553.

ClinVar aggregate classification (germline): Pathogenic. Review status: criteria provided, single submitter (1 of 4 stars). 2 submissions from 2 submitters: Pathogenic (1). 1 of the submissions does not count toward it. Last evaluated 2024-01-07.

Conditions:
Autosomal dominant nonsyndromic hearing loss 36. Identifiers: Orphanet 90635, MedGen C1847626, MONDO:0011708, OMIM 606705.
Autosomal recessive nonsyndromic hearing loss 7. Also called: DEAFNESS, AUTOSOMAL RECESSIVE 11. Identifiers: Orphanet 90636, MedGen C1832978, MONDO:0010967, OMIM 600974.

Submissions (2):

Fulgent Genetics
Classification: Pathogenic for Autosomal recessive nonsyndromic hearing loss 7; Autosomal dominant nonsyndromic hearing loss 36. Last evaluated: 2024-01-07. Review status: criteria provided, single submitter. Criteria: ACMG Guidelines, 2015. Collection method: clinical testing. Allele origin: germline.

Laboratory of Prof. Karen Avraham, Tel Aviv University
Classification: Pathogenic for Autosomal recessive nonsyndromic hearing loss 7. Last evaluated: 2016-02-16. Review status: no assertion criteria provided. Collection method: research. Allele origin: germline. Affected: yes. Not counted in ClinVar's aggregate classification.
Comment: Congenital, profound HL

NSHL; recessive, DFNB7